The following is an entry in ClinVar:

ClinVar aggregate classification (germline): Uncertain significance (1 of 4 stars; one submission).

Submission:

Labcorp Genetics (formerly Invitae), Labcorp
Classification: Uncertain significance. Last evaluated: 2023-02-04. Review status: criteria provided, single submitter. Criteria: Invitae Variant Classification Sherloc (09022015). Collection method: clinical testing. Allele origin: germline.
Comment: This variant is not present in population databases (gnomAD no frequency). This variant has not been reported in the literature in individuals affected with HMCN1-related conditions. Algorithms developed to predict the effect of missense changes on protein structure and function are either unavailable or do not agree on the potential impact of this missense change (SIFT: "Deleterious"; PolyPhen-2: "Benign"; Align-GVGD: "Class C0"). In summary, the available evidence is currently insufficient to determine the role of this variant in disease. Therefore, it has been classified as a Variant of Uncertain Significance. This sequence change replaces isoleucine, which is neutral and non-polar, with asparagine, which is neutral and polar, at codon 2347 of the HMCN1 protein (p.Ile2347Asn).

NM_031935.3(HMCN1):c.7040T>A (p.Ile2347Asn)

Gene: HMCN1 (hemicentin 1; plus strand). Cytogenetic location: 1q31.1.
Variant type: single nucleotide variant.
Coding change: c.7040T>A on transcript NM_031935.3 (MANE Select); coding-DNA position 7040, T replaced by A.
Protein change: p.Ile2347Asn; replaces isoleucine 2347 with asparagine.
Molecular consequence: missense variant.
Genome position (GRCh38, 1-based): chr1:186,055,570, T>A. VCF-style: chr1-186055570-T-A. GRCh37 (hg19) VCF-style: chr1-186024702-T-A.
Other names: short protein forms I2347N.
Identifiers: ClinVar variation 2909404 (VCV002909404.3), dbSNP rs2527722115, ClinGen allele CA343902155.